The following is an entry in ClinVar:

ClinVar aggregate classification (germline): Conflicting classifications of pathogenicity. Review status: criteria provided, conflicting classifications (1 of 4 stars). 6 submissions from 6 submitters: Uncertain significance (4); Likely benign (2). Last evaluated 2025-10-15.

Conditions:
Early-onset myopathy with fatal cardiomyopathy (CMYO5). Also called: Salih Myopathy; CONGENITAL MYOPATHY 5 WITH CARDIOMYOPATHY. Identifiers: Orphanet 289377, MedGen C2673677, MONDO:0012714, OMIM 611705. Disease mechanism: loss of function.
Autosomal recessive limb-girdle muscular dystrophy type 2J (LGMDR10). Also called: Limb-girdle muscular dystrophy, type 2J; MUSCULAR DYSTROPHY, LIMB-GIRDLE, AUTOSOMAL RECESSIVE 10. Identifiers: Orphanet 140922, MedGen C1837342, MONDO:0012127, OMIM 608807.
Tibial muscular dystrophy (TMD). Also called: Tibial muscular dystrophy, tardive; Udd Distal Myopathy – Tibial Muscular Dystrophy; UDD MYOPATHY. Identifiers: Orphanet 609, MedGen C1838244, MONDO:0010870, OMIM 600334.
Hypertrophic cardiomyopathy 9. Also called: Familial hypertrophic cardiomyopathy 9. Identifiers: MedGen C1861065, MONDO:0013412, OMIM 613765.
Dilated cardiomyopathy 1G (CMD1G). Identifiers: Orphanet 154, MedGen C1858763, MONDO:0011400, OMIM 604145.
Myopathy, myofibrillar, 9, with early respiratory failure (MFM9). Also called: Hereditary myopathy with early respiratory failure; MYOPATHY, PROXIMAL, WITH EARLY RESPIRATORY MUSCLE INVOLVEMENT; Myopathy, distal, with early respiratory failure, autosomal dominant; EDSTROM MYOPATHY. Identifiers: Orphanet 178464, Orphanet 34521, MedGen C1863599, MONDO:0011362, OMIM 603689.
Cardiomyopathy (CMYO). Also called: Cardiomyopathies. Identifiers: Orphanet 167848, MedGen C0878544, MONDO:0004994, HP:0001638. Inheritance: Various modes of inheritance.

Allele frequency attached by ClinVar (database versions not stated): 1000 Genomes Project 0.00020; gnomAD exomes 0.00003 and 0.00004; ExAC 0.00004; TOPMed 0.00004; gnomAD 0.00005 and 0.00006; 1000 Genomes Project 30x 0.00016.
gnomAD v4.1: 52 of 1,613,978 alleles (0.0032%); highest among the groups gnomAD compares: East Asian, 0.0045%; no homozygotes.

Submissions (6):

Women's Health and Genetics/Laboratory Corporation of America, LabCorp
Classification: Uncertain significance. Last evaluated: 2025-10-15. Review status: criteria provided, single submitter. Criteria: LabCorp Variant Classification Summary - May 2015. Collection method: clinical testing. Allele origin: germline.
Comment: Variant summary: TTN NM_133378 c.25117G>A (p.Glu8373Lys), also known as NM_001267550:c.28849G>A(p.Glu9617Lys), results in a conservative amino acid change in the encoded protein sequence. Algorithms developed to predict the effect of missense changes on protein structure and function are either unavailable or do not agree on the potential impact of this missense change. The variant allele was found at a frequency of 4e-05 in 249144 control chromosomes, predominantly at a frequency of 8.9e-05 within the Non-Finnish European subpopulation in the gnomAD database. This frequency is not significantly higher than estimated for disease-causing variants in TTN, allowing no conclusion about variant significance. To our knowledge, no occurrence of c.25117G>A in individuals affected with TTN-related conditions and no experimental evidence demonstrating its impact on protein function have been reported. ClinVar contains an entry for this variant (Variation ID: 229411). Based on the evidence outlined above, the variant was classified as uncertain significance.

Blueprint Genetics
Classification: Likely benign. Last evaluated: 2022-09-14. Review status: criteria provided, single submitter. Criteria: ACMG Guidelines, 2015. Collection method: clinical testing. Allele origin: germline.

Department of Pathology and Laboratory Medicine, Sinai Health System
Classification: Uncertain significance for Tibial muscular dystrophy; Myopathy, myofibrillar, 9, with early respiratory failure; Dilated cardiomyopathy 1G; Autosomal recessive limb-girdle muscular dystrophy type 2J; Early-onset myopathy with fatal cardiomyopathy; Hypertrophic cardiomyopathy 9. Last evaluated: 2021-11-15. Review status: criteria provided, single submitter. Criteria: ACMG Guidelines, 2015. Collection method: research. Allele origin: germline.

GeneDx
Classification: Likely benign. Last evaluated: 2019-05-07. Review status: criteria provided, single submitter. Criteria: GeneDx Variant Classification Process June 2021. Collection method: clinical testing. Allele origin: germline. Affected: yes.

CHEO Genetics Diagnostic Laboratory, Children's Hospital of Eastern Ontario
Classification: Uncertain significance for Cardiomyopathy. Last evaluated: 2017-09-19. Review status: criteria provided, single submitter. Criteria: ACMG Guidelines, 2015. Collection method: clinical testing. Allele origin: germline. Study: Canadian Open Genetics Repository.

Laboratory for Molecular Medicine, Mass General Brigham Personalized Medicine
Classification: Uncertain significance. Last evaluated: 2015-05-27. Review status: criteria provided, single submitter. Criteria: LMM Criteria. Collection method: clinical testing. Allele origin: germline. Observed: 1 variant allele.
Comment: The p.Glu8373Lys variant in TTN has not been previously reported in individuals with cardiomyopathy but has been indentified in 5/66676 European chromosomes by the Exome Aggregation Consortium (ExAC). Computa tional prediction tools and conservation analysis do not provide strong support for or against an impact to the protein. In summary, the clinical significance o f the p.Glu8373Lys variant is uncertain.

NM_001267550.2(TTN):c.28849G>A (p.Glu9617Lys)

Gene: TTN (titin; minus strand). Cytogenetic location: 2q31.2.
Variant type: single nucleotide variant.
Coding change: c.28849G>A on transcript NM_001267550.2 (MANE Select); coding-DNA position 28849, G replaced by A.
Protein change: p.Glu9617Lys; replaces glutamic acid 9617 with lysine.
Molecular consequence: missense variant. On other transcripts: intron variant (3).
Genome position (GRCh38, 1-based): chr2:178,707,718, C>T on the plus strand (G>A on the coding strand, the complement: TTN is on the minus strand). VCF-style: chr2-178707718-C-T. GRCh37 (hg19) VCF-style: chr2-179572445-C-T.
Other names: c.13282+30364G>A (NM_003319.4); c.13858+30364G>A (NM_133437.4); c.13657+30364G>A (NM_133432.3); c.27898G>A, p.Glu9300Lys (NM_001256850.1); c.25117G>A, p.Glu8373Lys (NM_133378.4); short protein forms E8373K, E9617K, E9300K.
Identifiers: ClinVar variation 229411 (VCV000229411.24), dbSNP rs144025230, ClinGen allele CA1999505.
Genomic context (GRCh38, chr2:178,707,718, plus strand): 5'-TGCATCTGTCTGAAGGCTTTATTTCCCTGCCAGCCTTCAACCACTGGATCCTAATTGGCT[C>T]AGATCCCTGGACATGGCAGCTGAGCTGCACGTATTCTCCTTCACTCACTGTTACTGGAGT-3'
Protein context (NP_001254479.2, residues 9607-9627): VQLSCHVQGS[Glu9617Lys]PIRIQWLKAG